The following is an entry in ClinVar:

ClinVar aggregate classification (germline): Likely pathogenic (1 of 4 stars; one submission).

Conditions:
Hereditary cancer-predisposing syndrome. Also called: Neoplastic Syndromes, Hereditary; Tumor predisposition; Hereditary Cancer Syndrome; Hereditary neoplastic syndrome. Identifiers: Orphanet 140162, MedGen C0027672, MeSH D009386, MONDO:0015356.

Submission:

Ambry Genetics
Classification: Likely pathogenic for Hereditary cancer-predisposing syndrome. Last evaluated: 2025-09-04. Review status: criteria provided, single submitter. Criteria: Ambry Variant Classification Scheme 2023. Collection method: clinical testing. Allele origin: germline.
Comment: The c.988+1delG intronic variant, located in intron 9 of the PMS2 gene, results from a deletion of one nucleotide within intron 9 of the PMS2 gene. This nucleotide position is highly conserved in available vertebrate species. In silico splice site analysis predicts that this alteration will weaken the native splice donor site and will result in the creation or strengthening of a novel splice donor site; however, direct evidence is insufficient at this time (Ambry internal data). This variant is considered to be rare based on population cohorts in the Genome Aggregation Database (gnomAD). Alterations that disrupt the canonical splice site are expected to cause aberrant splicing, resulting in an abnormal protein or a transcript that is subject to nonsense-mediated mRNA decay. As such, this alteration is classified as likely pathogenic.

NM_000535.7(PMS2):c.988+1del

Gene: PMS2 (PMS1 homolog 2, mismatch repair system component; minus strand). Cytogenetic location: 7p22.1.
Variant type: Deletion.
Coding change: c.988+1del on transcript NM_000535.7 (MANE Select); the canonical splice donor site of the intron after coding-DNA position 988, one base deleted (G; older notation c.988+1delG).
Molecular consequence: splice donor variant. On other transcripts: intron variant (1).
Genome position (GRCh38, 1-based): chr7:5,991,972, C deleted on the plus strand (G on the coding strand, the reverse complement: PMS2 is on the minus strand); the first of 2 consecutive C bases (chr7:5,991,972-5,991,973); deleting either gives the same sequence. VCF-style (leftmost placement, unchanged base first): chr7-5991971-AC-A. GRCh37 (hg19) VCF-style: chr7-6031602-AC-A.
Other names: c.670+1del (NM_001322008.2, NM_001406902.1, NM_001406883.1 and 4 more transcripts); c.679+1del (NM_001406881.1, NM_001406879.1, NM_001322015.2 and 6 more transcripts); c.583+1del (NM_001406895.1, NM_001322010.2, NM_001322004.2 and 19 more transcripts); c.217+1del (NM_001406911.1); c.475+1del (NM_001406904.1, NM_001406905.1); c.415+1del (NM_001322013.2, NM_001406909.1); c.55+1del (NM_001322012.2, NM_001322011.2); c.652+1del (NM_001406885.1); and 8 more.
Identifiers: ClinVar variation 232921 (VCV000232921.6), dbSNP rs876660075, ClinGen allele CA10578689.
Genomic context (GRCh38, chr7:5,991,971, plus strand): 5'-AATTTCATTTTATTCTTTGAGGCATTAGTCACTAGTTGTACTGAAATGCCAATGGAACTT[AC>A]CTGAATCAACAGAAATGTTAAGAACAACAAATGGATACTGGTGTCGATTATACATGTGGT-3'